The following is an entry in ClinVar:

NC_000007.13:g.(117254768_117267575)_(117308720_?)dup

Gene: CFTR (CF transmembrane conductance regulator; plus strand). Cytogenetic location: 7q31.2.
Variant type: Duplication.
Identifiers: ClinVar variation 3339478 (VCV003339478.2).

ClinVar aggregate classification (germline): Uncertain significance (1 of 4 stars; one submission).

Submission:

Women's Health and Genetics/Laboratory Corporation of America, LabCorp
Classification: Uncertain significance. Last evaluated: 2025-03-17. Review status: criteria provided, single submitter. Criteria: LabCorp Variant Classification Summary - May 2015. Collection method: clinical testing. Allele origin: germline.
Comment: Variant summary: The variant involves the duplication of exons 22-27 (legacy nomenclature exons 19-24) in the CFTR gene. A presumed nomenclature of c.(3468+1_3469-1)_(*1558_?)dup has been designated for the purposes of this classification. The exact breakpoint at the 3' end of this variant is unknown, therefore this duplication may extend downstream of the annotated region of the gene. As it duplicates the termination codon, its effect on the encoded protein is unknown. The variant was absent in 21694 control chromosomes (gnomAD, structural variants dataset). The available data on variant occurrences in the general population are insufficient to allow any conclusion about variant significance. A different variant involving the duplication of exons 22-27 has been reported in the literature in individuals affected with Cystic Fibrosis; however this duplication extended beyond CFTR to encompass the downstream gene CTTNBP2 and was found in at least one F508del homozygote (Raraigh_2022). Therefore, this report does not provide unequivocal conclusions about association of the variant with Cystic Fibrosis. To our knowledge, no experimental evidence demonstrating an impact on protein function has been reported. The following publication has been ascertained in the context of this evaluation (PMID: 34782259). ClinVar contains an entry for this variant (Variation ID: 2423157). Based on the evidence outlined above, the variant was classified as uncertain significance.

Literature cited by the submitters: PubMed 34782259.